The following is an entry in ClinVar:

ClinVar aggregate classification (germline): Pathogenic. Review status: criteria provided, multiple submitters, no conflicts (2 of 4 stars). 10 submissions from 10 submitters: Pathogenic (9). 1 of the submissions does not count toward it. Last evaluated 2026-06-01.

Conditions:
Cobalamin C disease. Also called: Methylmalonic aciduria and homocystinuria, Vitamin B12-responsive; Vitamin B12 metabolic defect with combined deficiency of methylmalonyl-CoA mutase and homocysteine:methyltetrahydrofolate methyltransferase; Methylmalonic aciduria with homocystinuria cblC type; Cobalamin-C methylmalonic acidemia and homocystinuria; Methylmalonic acidemia and homocystinuria cblC type; methylmalonic aciduria and homocystinuria type cblC. Identifiers: Orphanet 26, Orphanet 79282, MedGen C1848561, MONDO:0010184, OMIM 277400.

Allele frequency attached by ClinVar (database versions not stated): TOPMed 0.00002.
gnomAD v4.1: 20 of 1,614,078 alleles (0.0012%); highest among the groups gnomAD compares: Admixed American, 0.012%; no homozygotes.

Submissions (10):

CeGaT Center for Human Genetics Tuebingen
Classification: Pathogenic. Last evaluated: 2026-06-01. Review status: criteria provided, single submitter. Criteria: CeGaT Center For Human Genetics Tuebingen Variant Classification Criteria Version 2. Collection method: clinical testing. Allele origin: germline. Affected: yes. Observed: 1 variant allele.
Comment: MMACHC: PM3:Very Strong, PVS1, PM2

Labcorp Genetics (formerly Invitae), Labcorp
Classification: Pathogenic for Cobalamin C disease. Last evaluated: 2025-11-19. Review status: criteria provided, single submitter. Criteria: Invitae Variant Classification Sherloc (09022015). Collection method: clinical testing. Allele origin: germline.
Comment: This sequence change creates a premature translational stop signal (p.Tyr205*) in the MMACHC gene. While this is not anticipated to result in nonsense mediated decay, it is expected to disrupt the last 78 amino acid(s) of the MMACHC protein. This variant is present in population databases (rs747527726, gnomAD 0.009%). This premature translational stop signal has been observed in individuals with cobalamin C deficiency (PMID: 16311595, 19914430, 20631720, 25388550). ClinVar contains an entry for this variant (Variation ID: 281007). Algorithms developed to predict the effect of sequence changes on RNA splicing suggest that this variant may disrupt the consensus splice site. For these reasons, this variant has been classified as Pathogenic.

Natera, Inc.
Classification: Pathogenic for Methylmalonic aciduria and homocystinuria cblC type. Last evaluated: 2025-03-14. Review status: criteria provided, single submitter. Criteria: Natera Variant Classification Schema (03/2026). Collection method: clinical testing. Allele origin: germline.
Comment: The c.615C>G variant in MMACHC is a nonsense variant predicted to introduce a stop codon at amino acid 205. This variant is expected to result in nonsense mediated decay, truncation, or a dysfunctional protein product. This variant is rare in the general population with a frequency below the threshold expected for the associated phenotype(s). This variant has been observed in one or more individuals affected with the associated recessive disease, as either homozygous or compound heterozygous with a second variant (PMID: 16311595). Given the available evidence, this variant is classified as Pathogenic.

Fulgent Genetics
Classification: Pathogenic for Cobalamin C disease. Last evaluated: 2024-01-22. Review status: criteria provided, single submitter. Criteria: ACMG Guidelines, 2015. Collection method: clinical testing. Allele origin: germline.

Genome-Nilou Lab
Classification: Pathogenic for Cobalamin C disease. Last evaluated: 2023-04-11. Review status: criteria provided, single submitter. Criteria: ACMG Guidelines, 2015. Collection method: clinical testing. Allele origin: germline. Affected: no.

GeneDx
Classification: Pathogenic. Last evaluated: 2020-10-07. Review status: criteria provided, single submitter. Criteria: GeneDx Variant Classification Process June 2021. Collection method: clinical testing. Allele origin: germline. Affected: yes.
Comment: Nonsense variant in the C-terminus predicted to result in protein truncation, as the last 78 amino acids are lost, and other loss-of-function variants have been reported downstream in the Human Gene Mutation Database (Stenson et al., 2014); Not observed at a significant frequency in large population cohorts (Lek et al., 2016); This variant is associated with the following publications: (PMID: 33587123, 19760748, 16311595, 20631720, 25388550, 30863077)

Athena Diagnostics
Classification: Pathogenic. Last evaluated: 2020-02-03. Review status: criteria provided, single submitter. Criteria: Athena Diagnostics Criteria. Collection method: clinical testing. Allele origin: unknown.
Comment: This variant is expected to result in the loss of a functional protein. This variant has been identified homozygous and compound heterozygous in multiple individuals with clinical features associated with this gene (PMID: 16311595, 19370762, 19760748, 23746552). The frequency of this variant in the general population is consistent with pathogenicity for a recessive disorder.This observation is not an independent occurrence and has been identified in the same individual by RCIGM, the other laboratory participating in the GEMINI study.

Women's Health and Genetics/Laboratory Corporation of America, LabCorp
Classification: Pathogenic for Methylmalonic acidemia with homocystinuria. Last evaluated: 2017-11-22. Review status: criteria provided, single submitter. Criteria: LabCorp Variant Classification Summary - May 2015. Collection method: clinical testing. Allele origin: germline.
Comment: Variant summary: The MMACHC c.615C>G (p.Tyr205X) variant results in a premature termination codon, predicted to cause a truncated or absent MMACHC protein due to nonsense mediated decay, which are commonly known mechanisms for disease. A truncation downstream of this position, c.666C>A (p.Tyr222X) has been classified as pathogenic by our laboratory. This variant was found in 5/246214 control chromosomes (gnomAD) at a frequency of 0.0000203, which does not exceed the estimated maximal expected allele frequency of a pathogenic MMACHC variant (0.0030542). The variant of interst has been reported in multiple affected compound heterozygote and homozygote cblC pts (Lerner-Ellis_2006). In addition, a clinical diagnostic laboratory classified this variant as pathogenic. Taken together, this variant is classified as pathogenic.

Eurofins Ntd Llc (ga)
Classification: Pathogenic. Last evaluated: 2016-05-04. Review status: criteria provided, single submitter. Criteria: EGL Classification Definitions 2015. Collection method: clinical testing. Allele origin: germline. Observed: 2 variant alleles, 2 heterozygotes.

Counsyl
Classification: Pathogenic for Cobalamin C disease. Last evaluated: 2017-04-06. Review status: no assertion criteria provided. Collection method: clinical testing. Allele origin: unknown. Not counted in ClinVar's aggregate classification.

Literature cited by the submitters: PubMed 16311595 (cited by 4 submitters); PubMed 19914430 (cited by Labcorp Genetics (formerly Invitae), Labcorp); PubMed 20631720 (cited by Labcorp Genetics (formerly Invitae), Labcorp); PubMed 25388550 (cited by Labcorp Genetics (formerly Invitae), Labcorp).

NM_015506.3(MMACHC):c.615C>G (p.Tyr205Ter)

Genes: MMACHC (metabolism of cobalamin associated C; plus strand), LOC129930446 (ATAC-STARR-seq lymphoblastoid active region 972; plus strand). Cytogenetic location: 1p34.1.
Variant type: single nucleotide variant.
Coding change: c.615C>G on transcript NM_015506.3 (MANE Select); coding-DNA position 615, C replaced by G.
Protein change: p.Tyr205Ter; replaces tyrosine 205 with a stop codon.
Molecular consequence: nonsense.
Genome position (GRCh38, 1-based): chr1:45,508,981, C>G. VCF-style: chr1-45508981-C-G. GRCh37 (hg19) VCF-style: chr1-45974653-C-G.
Other names: c.444C>G, p.Tyr148Ter (NM_001330540.2); short protein forms Y205*, Y148*.
Identifiers: ClinVar variation 281007 (VCV000281007.26), dbSNP rs747527726, ClinGen allele CA827807.